The following is an entry in ClinVar:

NM_006766.5(KAT6A):c.3327A>T (p.Glu1109Asp)

Gene: KAT6A (lysine acetyltransferase 6A; minus strand). Cytogenetic location: 8p11.21.
Variant type: single nucleotide variant.
Coding change: c.3327A>T on transcript NM_006766.5 (MANE Select); coding-DNA position 3327, A replaced by T.
Protein change: p.Glu1109Asp; replaces glutamic acid 1109 with aspartic acid.
Molecular consequence: missense variant.
Genome position (GRCh38, 1-based): chr8:41,937,281, T>A on the plus strand (A>T on the coding strand, the complement: KAT6A is on the minus strand). VCF-style: chr8-41937281-T-A. GRCh37 (hg19) VCF-style: chr8-41794799-T-A.
Other names: c.3327A>T (NM_006766.3); short protein forms E1109D.
Identifiers: ClinVar variation 2142921 (VCV002142921.7), dbSNP rs1170676998, ClinGen allele CA371069821.

ClinVar aggregate classification (germline): Conflicting classifications of pathogenicity. Review status: criteria provided, conflicting classifications (1 of 4 stars). 3 submissions from 3 submitters: Uncertain significance (2); Likely benign (1). Last evaluated 2026-01-31.

Allele frequency attached by ClinVar (database versions not stated): gnomAD exomes 0.00001.
gnomAD v4.1: 12 of 1,604,686 alleles (0.00075%); highest among the groups gnomAD compares: East Asian, 0.0024%; no homozygotes.

Submissions (3):

Labcorp Genetics (formerly Invitae), Labcorp
Classification: Likely benign. Last evaluated: 2026-01-31. Review status: criteria provided, single submitter. Criteria: Invitae Variant Classification Sherloc (09022015). Collection method: clinical testing. Allele origin: germline.

Women's Health and Genetics/Laboratory Corporation of America, LabCorp
Classification: Uncertain significance. Last evaluated: 2025-07-02. Review status: criteria provided, single submitter. Criteria: LabCorp Variant Classification Summary - May 2015. Collection method: clinical testing. Allele origin: germline.
Comment: Variant summary: KAT6A c.3327A>T (p.Glu1109Asp) results in a conservative amino acid change in the encoded protein sequence. Algorithms developed to predict the effect of missense changes on protein structure and function all suggest that this variant is likely to be tolerated. The variant allele was found at a frequency of 8e-06 in 251024 control chromosomes. The available data on variant occurrences in the general population are insufficient to allow any conclusion about variant significance. To our knowledge, no occurrence of c.3327A>T in individuals affected with Arboleda-Tham Syndrome and no experimental evidence demonstrating its impact on protein function have been reported. ClinVar contains an entry for this variant (Variation ID: 2142921). Based on the evidence outlined above, the variant was classified as uncertain significance.

GeneDx
Classification: Uncertain significance. Last evaluated: 2022-08-23. Review status: criteria provided, single submitter. Criteria: GeneDx Variant Classification Process June 2021. Collection method: clinical testing. Allele origin: germline. Affected: yes.
Comment: In silico analysis supports that this missense variant does not alter protein structure/function; Has not been previously published as pathogenic or benign to our knowledge